The following is an entry in ClinVar:

NM_213599.3(ANO5):c.274A>G (p.Lys92Glu)

Gene: ANO5 (anoctamin 5; plus strand). Cytogenetic location: 11p14.3.
Variant type: single nucleotide variant.
Coding change: c.274A>G on transcript NM_213599.3 (MANE Select); coding-DNA position 274, A replaced by G.
Protein change: p.Lys92Glu; replaces lysine 92 with glutamic acid.
Molecular consequence: missense variant.
Genome position (GRCh38, 1-based): chr11:22,221,190, A>G. VCF-style: chr11-22221190-A-G. GRCh37 (hg19) VCF-style: chr11-22242736-A-G.
Other names: c.271A>G, p.Lys91Glu (NM_001142649.2); c.232A>G, p.Lys78Glu (NM_001410963.1); c.229A>G, p.Lys77Glu (NM_001410964.1); short protein forms K77E, K78E, K91E, K92E.
Identifiers: ClinVar variation 1902993 (VCV001902993.5), dbSNP rs2494118630, ClinGen allele CA379925503.

ClinVar aggregate classification (germline): Uncertain significance (1 of 4 stars; one submission).

Conditions:
Autosomal recessive limb-girdle muscular dystrophy type 2L (LGMDR12). Also called: MUSCULAR DYSTROPHY, LIMB-GIRDLE, AUTOSOMAL RECESSIVE 12; Limb-Girdle Muscular Dystrophy R12 Anoctamin-5-Related (LGMD-R12); Limb-girdle muscular dystrophy, type 2L. Identifiers: Orphanet 206549, MedGen C1969785, MONDO:0012652, OMIM 611307.
Gnathodiaphyseal dysplasia (GDD). Also called: GNATHODIAPHYSEAL SCLEROSIS; OSTEOGENESIS IMPERFECTA WITH UNUSUAL SKELETAL LESIONS. Identifiers: Orphanet 53697, MedGen C1833736, MONDO:0008151, OMIM 166260.

Submission:

Labcorp Genetics (formerly Invitae), Labcorp
Classification: Uncertain significance for Autosomal recessive limb-girdle muscular dystrophy type 2L; Gnathodiaphyseal dysplasia. Last evaluated: 2022-09-01. Review status: criteria provided, single submitter. Criteria: Invitae Variant Classification Sherloc (09022015). Collection method: clinical testing. Allele origin: germline.
Comment: In summary, the available evidence is currently insufficient to determine the role of this variant in disease. Therefore, it has been classified as a Variant of Uncertain Significance. Advanced modeling of protein sequence and biophysical properties (such as structural, functional, and spatial information, amino acid conservation, physicochemical variation, residue mobility, and thermodynamic stability) performed at Invitae indicates that this missense variant is not expected to disrupt ANO5 protein function. This variant has not been reported in the literature in individuals affected with ANO5-related conditions. This variant is not present in population databases (gnomAD no frequency). This sequence change replaces lysine, which is basic and polar, with glutamic acid, which is acidic and polar, at codon 92 of the ANO5 protein (p.Lys92Glu).